The following is an entry in ClinVar:

NM_205836.3(FBXO38):c.2295G>T (p.Glu765Asp)

Gene: FBXO38 (F-box protein 38; plus strand). Cytogenetic location: 5q32.
Variant type: single nucleotide variant.
Coding change: c.2295G>T on transcript NM_205836.3 (MANE Select); coding-DNA position 2295, G replaced by T.
Protein change: p.Glu765Asp; replaces glutamic acid 765 with aspartic acid.
Molecular consequence: missense variant. On other transcripts: intron variant (1).
Genome position (GRCh38, 1-based): chr5:148,427,589, G>T. VCF-style: chr5-148427589-G-T. GRCh37 (hg19) VCF-style: chr5-147807152-G-T.
Other names: c.2295G>T, p.Glu765Asp (NM_030793.5); c.1918+1888G>T (NM_001271723.2); short protein forms E765D.
Identifiers: ClinVar variation 1491952 (VCV001491952.6), dbSNP rs966952897, ClinGen allele CA361657475.

ClinVar aggregate classification (germline): Uncertain significance (1 of 4 stars; one submission).

Conditions:
Distal hereditary motor neuropathy type 2. Identifiers: Orphanet 139525, MedGen C3711384, MeSH C580044, MONDO:0015352.

Allele frequency attached by ClinVar (database versions not stated): gnomAD 0.00001.
gnomAD v4.1: 11 of 1,614,100 alleles (0.00068%); highest among the groups gnomAD compares: Non-Finnish European, 0.00085%; no homozygotes.

Submission:

Labcorp Genetics (formerly Invitae), Labcorp
Classification: Uncertain significance for Distal hereditary motor neuropathy type 2. Last evaluated: 2024-07-05. Review status: criteria provided, single submitter. Criteria: Invitae Variant Classification Sherloc (09022015). Collection method: clinical testing. Allele origin: germline.
Comment: This sequence change replaces glutamic acid, which is acidic and polar, with aspartic acid, which is acidic and polar, at codon 765 of the FBXO38 protein (p.Glu765Asp). This variant is not present in population databases (gnomAD no frequency). This variant has not been reported in the literature in individuals affected with FBXO38-related conditions. ClinVar contains an entry for this variant (Variation ID: 1491952). Advanced modeling of protein sequence and biophysical properties (such as structural, functional, and spatial information, amino acid conservation, physicochemical variation, residue mobility, and thermodynamic stability) performed at Invitae indicates that this missense variant is not expected to disrupt FBXO38 protein function with a negative predictive value of 80%. In summary, the available evidence is currently insufficient to determine the role of this variant in disease. Therefore, it has been classified as a Variant of Uncertain Significance.